The following is an entry in ClinVar:

ClinVar aggregate classification (germline): Benign/Likely benign. Review status: criteria provided, multiple submitters, no conflicts (2 of 4 stars). 11 submissions from 11 submitters: Benign (1); Likely benign (9). 1 of the submissions does not count toward it. Last evaluated 2026-05-26.

Conditions:
TTN-related disorder. Also called: TTN-related condition; TTN-related disease; TTN-related disorders.
Dilated cardiomyopathy 1G (CMD1G). Identifiers: Orphanet 154, MedGen C1858763, MONDO:0011400, OMIM 604145.
Autosomal recessive limb-girdle muscular dystrophy type 2J (LGMDR10). Also called: Limb-girdle muscular dystrophy, type 2J; MUSCULAR DYSTROPHY, LIMB-GIRDLE, AUTOSOMAL RECESSIVE 10. Identifiers: Orphanet 140922, MedGen C1837342, MONDO:0012127, OMIM 608807.
Cardiomyopathy (CMYO). Also called: Cardiomyopathies. Identifiers: Orphanet 167848, MedGen C0878544, MONDO:0004994, HP:0001638. Inheritance: Various modes of inheritance.

Allele frequency attached by ClinVar (database versions not stated): gnomAD exomes 0.00009 and 0.00027; ExAC 0.00034; ESP Exome Variant Server 0.00076; gnomAD 0.00103; TOPMed 0.00106; 1000 Genomes Project 0.00200; 1000 Genomes Project 30x 0.00203.
gnomAD v4.1: 291 of 1,612,578 alleles (0.018%); highest among the groups gnomAD compares: African/African-American, 0.35%; 1 homozygote.

Submissions (11):

Women's Health and Genetics/Laboratory Corporation of America, LabCorp
Classification: Likely benign. Last evaluated: 2026-05-26. Review status: criteria provided, single submitter. Criteria: LabCorp Variant Classification Summary - May 2015. Collection method: clinical testing. Allele origin: germline.
Comment: Variant summary: TTN c.16898T>C (p.Ile5633Thr) results in a non-conservative amino acid change located in the I-band of the encoded protein sequence. Algorithms developed to predict the effect of missense changes on protein structure and function are either unavailable or do not agree on the potential impact of this missense change. The variant allele was found at a frequency of 0.00027 in 247418 control chromosomes, predominantly at a frequency of 0.0038 within the African or African-American subpopulation in the gnomAD database, including 1 homozygotes. The observed variant frequency within African or African-American control individuals in the gnomAD database exceeds the estimated maximal expected allele frequency for disease-causing variants in TTN. To our knowledge, no occurrence of c.16898T>C in individuals affected with TTN-related conditions and no experimental evidence demonstrating its impact on protein function have been reported. ClinVar contains an entry for this variant (Variation ID: 178246). Based on the evidence outlined above, the variant was classified as likely benign.

Labcorp Genetics (formerly Invitae), Labcorp
Classification: Likely benign for Dilated cardiomyopathy 1G; Autosomal recessive limb-girdle muscular dystrophy type 2J. Last evaluated: 2026-02-01. Review status: criteria provided, single submitter. Criteria: Invitae Variant Classification Sherloc (09022015). Collection method: clinical testing. Allele origin: germline.

Blueprint Genetics
Classification: Likely benign. Last evaluated: 2024-09-11. Review status: criteria provided, single submitter. Criteria: ACMG Guidelines, 2015. Collection method: clinical testing. Allele origin: germline.

ARUP Laboratories, Molecular Genetics and Genomics, ARUP Laboratories
Classification: Likely benign. Last evaluated: 2024-05-15. Review status: criteria provided, single submitter. Criteria: ARUP Molecular Germline Variant Investigation Process 2024. Collection method: clinical testing. Allele origin: germline.

CHEO Genetics Diagnostic Laboratory, Children's Hospital of Eastern Ontario
Classification: Benign for Cardiomyopathy. Last evaluated: 2023-05-16. Review status: criteria provided, single submitter. Criteria: ACMG Guidelines, 2015. Collection method: clinical testing. Allele origin: germline.

GeneDx
Classification: Likely benign. Last evaluated: 2021-06-24. Review status: criteria provided, single submitter. Criteria: GeneDx Variant Classification Process June 2021. Collection method: clinical testing. Allele origin: germline. Affected: yes.
Comment: This variant is associated with the following publications: (PMID: 23861362)

Athena Diagnostics
Classification: Likely benign. Last evaluated: 2018-03-23. Review status: criteria provided, single submitter. Criteria: Athena Diagnostics Criteria. Collection method: clinical testing. Allele origin: germline.

Eurofins Ntd Llc (ga)
Classification: Likely benign. Last evaluated: 2017-01-03. Review status: criteria provided, single submitter. Criteria: EGL Classification Definitions 2015. Collection method: clinical testing. Allele origin: germline. Observed: 6 variant alleles, 6 heterozygotes.

Laboratory for Molecular Medicine, Mass General Brigham Personalized Medicine
Classification: Likely benign. Last evaluated: 2015-04-24. Review status: criteria provided, single submitter. Criteria: LMM Criteria. Collection method: clinical testing. Allele origin: germline. Observed: 2 variant alleles.
Comment: p.Ile5633Thr in exon 68 of TTN: This variant is not expected to have clinical si gnificance because it has been identified in 0.4% (37/9774) of African chromosom es by the Exome Aggregation Consortium (ExAC; db SNP rs142794598).

Biesecker Lab/Clinical Genomics Section, National Institutes of Health
Classification: Likely benign. Last evaluated: 2013-06-24. Review status: criteria provided, single submitter. Criteria: Ng et al. (Circ Cardiovasc Genet. 2013). Collection method: research. Allele origin: unknown. Observed: 1 variant allele. Study: ClinSeq.
Comment: The study set was not selected for affection status in relation to any cancer. Pathogenicity categories were based on literature curation. See Pubmed ID:23861362 for details.

Medical sequencing

PreventionGenetics, part of Exact Sciences
Classification: Likely benign for TTN-related condition. Last evaluated: 2022-03-18. Review status: no assertion criteria provided. Collection method: clinical testing. Allele origin: germline. Not counted in ClinVar's aggregate classification.
Comment: This variant is classified as likely benign based on ACMG/AMP sequence variant interpretation guidelines (Richards et al. 2015 PMID: 25741868, with internal and published modifications).

Literature cited by the submitters: PubMed 23861362 (cited by Athena Diagnostics).

NM_001267550.2(TTN):c.20630T>C (p.Ile6877Thr)

Gene: TTN (titin; minus strand). Cytogenetic location: 2q31.2.
Variant type: single nucleotide variant.
Coding change: c.20630T>C on transcript NM_001267550.2 (MANE Select); coding-DNA position 20630, T replaced by C.
Protein change: p.Ile6877Thr; replaces isoleucine 6877 with threonine.
Molecular consequence: missense variant. On other transcripts: intron variant (3).
Genome position (GRCh38, 1-based): chr2:178,725,574, A>G on the plus strand (T>C on the coding strand, the complement: TTN is on the minus strand). VCF-style: chr2-178725574-A-G. GRCh37 (hg19) VCF-style: chr2-179590301-A-G.
Other names: p.I6560T:ATA>ACA; c.19679T>C, p.Ile6560Thr (NM_001256850.1); c.16898T>C, p.Ile5633Thr (NM_133378.4); c.13282+12508T>C (NM_003319.4); c.13858+12508T>C (NM_133437.4); c.13657+12508T>C (NM_133432.3); short protein forms I5633T, I6877T, I6560T.
Identifiers: ClinVar variation 178246 (VCV000178246.40), dbSNP rs142794598, ClinGen allele CA181901.